The following is an entry in ClinVar:

ClinVar aggregate classification (germline): Uncertain significance (1 of 4 stars; one submission).

Allele frequency attached by ClinVar (database versions not stated): gnomAD 0.00001; TOPMed 0.00001.
gnomAD v4.1: 3 of 1,613,830 alleles (0.00019%); highest among the groups gnomAD compares: Non-Finnish European, 0.00017%; no homozygotes.

Submission:

GeneDx
Classification: Uncertain significance. Last evaluated: 2023-04-06. Review status: criteria provided, single submitter. Criteria: GeneDx Variant Classification Process June 2021. Collection method: clinical testing. Allele origin: germline. Affected: yes.
Comment: In silico analysis supports that this missense variant has a deleterious effect on protein structure/function; Has not been previously published as pathogenic or benign to our knowledge

NM_001961.4(EEF2):c.892T>G (p.Phe298Val)

Gene: EEF2 (eukaryotic translation elongation factor 2; minus strand). Cytogenetic location: 19p13.3.
Variant type: single nucleotide variant.
Coding change: c.892T>G on transcript NM_001961.4 (MANE Select); coding-DNA position 892, T replaced by G.
Protein change: p.Phe298Val; replaces phenylalanine 298 with valine.
Molecular consequence: missense variant.
Genome position (GRCh38, 1-based): chr19:3,981,952, A>C on the plus strand (T>G on the coding strand, the complement: EEF2 is on the minus strand). VCF-style: chr19-3981952-A-C. GRCh37 (hg19) VCF-style: chr19-3981950-A-C.
Other names: short protein forms F298V.
Identifiers: ClinVar variation 2662507 (VCV002662507.1), dbSNP rs1241109182, ClinGen allele CA403393877.